The following is an entry in ClinVar:

NM_152328.5(ADSS1):c.1184T>C (p.Met395Thr)

Gene: ADSS1 (adenylosuccinate synthase 1; plus strand). Cytogenetic location: 14q32.33.
Variant type: single nucleotide variant.
Coding change: c.1184T>C on transcript NM_152328.5 (MANE Select); coding-DNA position 1184, T replaced by C.
Protein change: p.Met395Thr; replaces methionine 395 with threonine.
Molecular consequence: missense variant.
Genome position (GRCh38, 1-based): chr14:104,746,248, T>C. VCF-style: chr14-104746248-T-C. GRCh37 (hg19) VCF-style: chr14-105212585-T-C.
Other names: c.569T>C, p.Met190Thr (NM_001320424.1); c.1313T>C, p.Met438Thr (NM_199165.2); short protein forms M190T, M395T, M438T.
Identifiers: ClinVar variation 1682019 (VCV001682019.6), dbSNP rs2140833579, ClinGen allele CA391244739.

ClinVar aggregate classification (germline): Uncertain significance (1 of 4 stars; one submission).

Submission:

Labcorp Genetics (formerly Invitae), Labcorp
Classification: Uncertain significance. Last evaluated: 2022-03-18. Review status: criteria provided, single submitter. Criteria: Invitae Variant Classification Sherloc (09022015). Collection method: clinical testing. Allele origin: germline.
Comment: This sequence change replaces methionine, which is neutral and non-polar, with threonine, which is neutral and polar, at codon 438 of the ADSSL1 protein (p.Met438Thr). This variant is not present in population databases (gnomAD no frequency). This variant has not been reported in the literature in individuals affected with ADSSL1-related conditions. Algorithms developed to predict the effect of missense changes on protein structure and function output the following: SIFT: "Not Available"; PolyPhen-2: "Benign"; Align-GVGD: "Not Available". The threonine amino acid residue is found in multiple mammalian species, which suggests that this missense change does not adversely affect protein function. In summary, the available evidence is currently insufficient to determine the role of this variant in disease. Therefore, it has been classified as a Variant of Uncertain Significance.